The following is an entry in ClinVar:

NM_001457.4(FLNB):c.792C>T (p.Ile264=)

Gene: FLNB (filamin B; plus strand). Cytogenetic location: 3p14.3.
Variant type: single nucleotide variant.
Coding change: c.792C>T on transcript NM_001457.4 (MANE Select); coding-DNA position 792, C replaced by T.
Protein change: p.Ile264=; no amino-acid change (isoleucine 264 retained).
Molecular consequence: synonymous variant.
Genome position (GRCh38, 1-based): chr3:58,094,840, C>T. VCF-style: chr3-58094840-C-T. GRCh37 (hg19) VCF-style: chr3-58080567-C-T.
Other names: c.792C>T, p.Ile264= (NM_001164317.2, NM_001164318.2, NM_001164319.2).
Identifiers: ClinVar variation 346302 (VCV000346302.31), dbSNP rs7623314, ClinGen allele CA2467632.

ClinVar aggregate classification (germline): Benign. Review status: criteria provided, multiple submitters, no conflicts (2 of 4 stars). 6 submissions from 6 submitters: Benign (6). Last evaluated 2026-02-02.

Conditions:
Connective tissue disorder. Also called: Connective tissue disease. Identifiers: MedGen C0009782, MONDO:0003900.
FLNB-Related Spectrum Disorders.

Allele frequency attached by ClinVar (database versions not stated): ExAC 0.00883; gnomAD 0.02558 and 0.02745; ESP Exome Variant Server 0.02937; TOPMed 0.02953; 1000 Genomes Project 0.02955; 1000 Genomes Project 30x 0.03029.
gnomAD v4.1: 7,870 of 1,613,618 alleles (0.49%); highest among the groups gnomAD compares: African/African-American, 8.7%; 289 homozygotes.

Submissions (6):

Labcorp Genetics (formerly Invitae), Labcorp
Classification: Benign. Last evaluated: 2026-02-02. Review status: criteria provided, single submitter. Criteria: Invitae Variant Classification Sherloc (09022015). Collection method: clinical testing. Allele origin: germline.

ARUP Laboratories, Molecular Genetics and Genomics, ARUP Laboratories
Classification: Benign. Last evaluated: 2025-05-23. Review status: criteria provided, single submitter. Criteria: ARUP Molecular Germline Variant Investigation Process 2024. Collection method: clinical testing. Allele origin: germline.

Genome Diagnostics Laboratory, The Hospital for Sick Children
Classification: Benign for Connective tissue disorder. Last evaluated: 2020-08-18. Review status: criteria provided, single submitter. Criteria: ACMG Guidelines, 2015. Collection method: clinical testing. Allele origin: germline.

Illumina Laboratory Services, Illumina
Classification: Benign for FLNB-Related Spectrum Disorders. Last evaluated: 2018-01-13. Review status: criteria provided, single submitter. Criteria: ICSL Variant Classification Criteria 13 December 2019. Collection method: clinical testing. Allele origin: germline.
Comment: This variant was observed in the ICSL laboratory as part of a predisposition screen in an ostensibly healthy population. It had not been previously curated by ICSL or reported in the Human Gene Mutation Database (HGMD: prior to June 1st, 2018), and was therefore a candidate for classification through an automated scoring system. Utilizing variant allele frequency, disease prevalence and penetrance estimates, and inheritance mode, an automated score was calculated to assess if this variant is too frequent to cause the disease. Based on the score and internal cut-off values, a variant classified as benign is not then subjected to further curation. The score for this variant resulted in a classification of benign for this disease.

GeneDx
Classification: Benign. Last evaluated: 2016-06-09. Review status: criteria provided, single submitter. Criteria: GeneDx Variant Classification (06012015). Collection method: clinical testing. Allele origin: germline. Affected: yes.
Comment: This variant is considered likely benign or benign based on one or more of the following criteria: it is a conservative change, it occurs at a poorly conserved position in the protein, it is predicted to be benign by multiple in silico algorithms, and/or has population frequency not consistent with disease.

Breakthrough Genomics
Classification: Benign. Review status: criteria provided, single submitter. Criteria: ACMG Guidelines, 2015. Collection method: not provided. Allele origin: germline. Inheritance: Autosomal recessive inheritance. Affected: yes.